The following is an entry in ClinVar:

NC_000023.10:g.(?_32429849)_(32717430_?)del

Gene: DMD (dystrophin; minus strand). Cytogenetic location: Xp21.1.
Variant type: Deletion.
Identifiers: ClinVar variation 3248516 (VCV003248516.1).

ClinVar aggregate classification (germline): Pathogenic (1 of 4 stars; one submission).

Conditions:
Duchenne muscular dystrophy (DMD). Also called: MUSCULAR DYSTROPHY, PSEUDOHYPERTROPHIC PROGRESSIVE, DUCHENNE TYPE; Duchenne Muscular Dystrophy (DMD). Identifiers: Orphanet 98896, MedGen C0013264, MONDO:0010679, OMIM 310200.

Submission:

Labcorp Genetics (formerly Invitae), Labcorp
Classification: Pathogenic for Duchenne muscular dystrophy. Last evaluated: 2022-11-19. Review status: criteria provided, single submitter. Criteria: Invitae Variant Classification Sherloc (09022015). Collection method: clinical testing. Allele origin: unknown.
Comment: For these reasons, this variant has been classified as Pathogenic. A similar copy number variant has been observed in individual(s) with Duchenne muscular dystrophy (PMID: 16950195). This variant is a gross deletion of the genomic region encompassing exon(s) 8-30 of the DMD gene. This deletion is out-of-frame, and is expected to create a premature termination codon and result in an absent or disrupted protein product. Loss-of-function variants in DMD are known to be pathogenic (PMID: 16770791, 25007885).

Literature cited by the submitters: PubMed 16950195; PubMed 16770791; PubMed 25007885.